The following is an entry in ClinVar:

ClinVar aggregate classification (germline): Uncertain significance (1 of 4 stars; one submission).

Conditions:
Hereditary cancer-predisposing syndrome. Also called: Tumor predisposition; Hereditary Cancer Syndrome; Hereditary neoplastic syndrome; Neoplastic Syndromes, Hereditary. Identifiers: Orphanet 140162, MedGen C0027672, MeSH D009386, MONDO:0015356.

Submission:

Ambry Genetics
Classification: Uncertain significance for Hereditary cancer-predisposing syndrome. Last evaluated: 2024-04-26. Review status: criteria provided, single submitter. Criteria: Ambry Variant Classification Scheme 2023. Collection method: clinical testing. Allele origin: germline.
Comment: The p.S958N variant (also known as c.2873G>A), located in coding exon 17 of the DICER1 gene, results from a G to A substitution at nucleotide position 2873. The serine at codon 958 is replaced by asparagine, an amino acid with highly similar properties. This amino acid position is conserved. In addition, this alteration is predicted to be tolerated by in silico analysis. Based on the available evidence, the clinical significance of this variant remains unclear.

NM_177438.3(DICER1):c.2873G>A (p.Ser958Asn)

Gene: DICER1 (dicer 1, ribonuclease III; minus strand). Cytogenetic location: 14q32.13.
Variant type: single nucleotide variant.
Coding change: c.2873G>A on transcript NM_177438.3 (MANE Select); coding-DNA position 2873, G replaced by A.
Protein change: p.Ser958Asn; replaces serine 958 with asparagine.
Molecular consequence: missense variant. On other transcripts: non-coding transcript variant (6).
Genome position (GRCh38, 1-based): chr14:95,106,155, C>T on the plus strand (G>A on the coding strand, the complement: DICER1 is on the minus strand). VCF-style: chr14-95106155-C-T. GRCh37 (hg19) VCF-style: chr14-95572492-C-T.
Other names: c.2873G>A, p.Ser958Asn (NM_001195573.1, NM_001271282.3, NM_001291628.2 and 12 more transcripts); c.2591G>A, p.Ser864Asn (NM_001395686.1); c.2468G>A, p.Ser823Asn (NM_001395687.1, NM_001395688.1, NM_001395689.1 and 2 more transcripts); c.2306G>A, p.Ser769Asn (NM_001395691.1); c.1190G>A, p.Ser397Asn (NM_001395697.1); short protein forms S864N, S769N, S958N, S397N, S823N.
Identifiers: ClinVar variation 3272014 (VCV003272014.1).